The following is an entry in ClinVar:

NM_005993.5(TBCD):c.2393T>A (p.Leu798Ter)

Gene: TBCD (tubulin folding cofactor D). Cytogenetic location: 17q25.3.
Variant type: single nucleotide variant.
Coding change: c.2393T>A on transcript NM_005993.5 (MANE Select); coding-DNA position 2393, T replaced by A.
Protein change: p.Leu798Ter; replaces leucine 798 with a stop codon.
Molecular consequence: nonsense.
Genome position (GRCh38, 1-based): chr17:82,926,413, T>A. VCF-style: chr17-82926413-T-A. GRCh37 (hg19) VCF-style: chr17-80884289-T-A.
Other names: c.2342T>A, p.Leu781Ter (NM_001411101.1); c.2312T>A, p.Leu771Ter (NM_001411102.1); short protein forms L771*, L781*, L798*.
Identifiers: ClinVar variation 2783512 (VCV002783512.3), dbSNP rs769131046, ClinGen allele CA8863043.
Genomic context (GRCh38, chr17:82,926,413, plus strand): 5'-CTTTGTTATAGCTTATGGTTCTTCTGTGATTCTTTATTGCTTTCCAGGTTCTCACAGGTT[T>A]AAGAGCAGTTACCCACACTTCCCCCGAGGACGTAAGTTTTGCTGAGTCCAGGAGAGACGG-3'

ClinVar aggregate classification (germline): Pathogenic (1 of 4 stars; one submission).

Allele frequency attached by ClinVar (database versions not stated): gnomAD exomes below 0.00001; ExAC 0.00001.
gnomAD v4.1: 2 of 1,614,000 alleles (0.00012%); highest among the groups gnomAD compares: Admixed American, 0.0017%; no homozygotes.

Submission:

Labcorp Genetics (formerly Invitae), Labcorp
Classification: Pathogenic. Last evaluated: 2023-01-01. Review status: criteria provided, single submitter. Criteria: Invitae Variant Classification Sherloc (09022015). Collection method: clinical testing. Allele origin: germline.
Comment: This variant is present in population databases (rs769131046, gnomAD 0.003%). This sequence change creates a premature translational stop signal (p.Leu798*) in the TBCD gene. It is expected to result in an absent or disrupted protein product. Loss-of-function variants in TBCD are known to be pathogenic (PMID: 27666370, 27666374). This variant has not been reported in the literature in individuals affected with TBCD-related conditions. For these reasons, this variant has been classified as Pathogenic.

Literature cited by the submitters: PubMed 27666370; PubMed 27666374.